The following is an entry in ClinVar:

NM_000104.4(CYP1B1):c.698G>C (p.Arg233Pro)

Gene: CYP1B1 (cytochrome P450 family 1 subfamily B member 1; minus strand). Cytogenetic location: 2p22.2.
Variant type: single nucleotide variant.
Coding change: c.698G>C on transcript NM_000104.4 (MANE Select); coding-DNA position 698, G replaced by C.
Protein change: p.Arg233Pro; replaces arginine 233 with proline.
Molecular consequence: missense variant.
Genome position (GRCh38, 1-based): chr2:38,074,691, C>G on the plus strand (G>C on the coding strand, the complement: CYP1B1 is on the minus strand). VCF-style: chr2-38074691-C-G. GRCh37 (hg19) VCF-style: chr2-38301834-C-G.
Other names: short protein forms R233P.
Identifiers: ClinVar variation 2628685 (VCV002628685.1), dbSNP rs1296663368, ClinGen allele CA346328696.

ClinVar aggregate classification (germline): Uncertain significance (1 of 4 stars; one submission).

Conditions:
CYP1B1-related disorder. Also called: CYP1B1-Related Disorders. Identifiers: MedGen CN239260.

Submission:

PreventionGenetics, part of Exact Sciences
Classification: Uncertain significance for CYP1B1-related condition. Last evaluated: 2022-10-14. Review status: criteria provided, single submitter. Criteria: ACMG Guidelines, 2015. Collection method: clinical testing. Allele origin: germline.
Comment: The CYP1B1 c.698G>C variant is predicted to result in the amino acid substitution p.Arg233Pro. To our knowledge, this variant has not been reported in the literature or in a large population database, indicating this variant is rare. At this time, the clinical significance of this variant is uncertain due to the absence of conclusive functional and genetic evidence.